The following is an entry in ClinVar:

NM_001199107.2(TBC1D24):c.*4120T>C

Gene: TBC1D24 (TBC1 domain family member 24; plus strand). Cytogenetic location: 16p13.3.
Variant type: single nucleotide variant.
Coding change: c.*4120T>C on transcript NM_001199107.2 (MANE Select); 4120 bases downstream of the stop codon, T replaced by C.
Molecular consequence: 3 prime UTR variant.
Genome position (GRCh38, 1-based): chr16:2,505,078, T>C. VCF-style: chr16-2505078-T-C. GRCh37 (hg19) VCF-style: chr16-2555079-T-C.
Other names: c.*4120T>C (NM_020705.3).
Identifiers: ClinVar variation 884708 (VCV000884708.4), dbSNP rs116622328, ClinGen allele CA276810765.
Genomic context (GRCh38, chr16:2,505,078, plus strand): 5'-TGAGCTGCTGTGCCCAGCTCATCCAGATTCTTGCTGGTTCTCTTTCTCAGCCTAAATGTC[T>C]TGTTTGCGTGGAGAAATTATCAAATGAAGCAGGAGTGCCAAACAAGCCTCATAGGCTCTT-3'

ClinVar aggregate classification (germline): Benign (1 of 4 stars; one submission).

Conditions:
Familial infantile myoclonic epilepsy (FIME). Also called: TBC1D24-Related Familial Infantile Myoclonic Epilepsy (FIME); Epilepsy, Myoclonic, Infantile. Identifiers: Orphanet 352582, MedGen C0917800, MONDO:0011506, OMIM 605021.

Allele frequency attached by ClinVar (database versions not stated): gnomAD 0.00425 and 0.00448; 1000 Genomes Project 0.00599; TOPMed 0.00505; 1000 Genomes Project 30x 0.00625.

Submission:

Illumina Laboratory Services, Illumina
Classification: Benign for Familial infantile myoclonic epilepsy. Last evaluated: 2018-01-13. Review status: criteria provided, single submitter. Criteria: ICSL Variant Classification Criteria 13 December 2019. Collection method: clinical testing. Allele origin: germline.
Comment: This variant was observed in the ICSL laboratory as part of a predisposition screen in an ostensibly healthy population. It had not been previously curated by ICSL or reported in the Human Gene Mutation Database (HGMD: prior to June 1st, 2018), and was therefore a candidate for classification through an automated scoring system. Utilizing variant allele frequency, disease prevalence and penetrance estimates, and inheritance mode, an automated score was calculated to assess if this variant is too frequent to cause the disease. Based on the score and internal cut-off values, a variant classified as benign is not then subjected to further curation. The score for this variant resulted in a classification of benign for this disease.